The following is an entry in ClinVar:

NM_024422.6(DSC2):c.2191G>A (p.Asp731Asn)

Gene: DSC2 (desmocollin 2; minus strand). Cytogenetic location: 18q12.1.
Variant type: single nucleotide variant.
Coding change: c.2191G>A on transcript NM_024422.6 (MANE Select); coding-DNA position 2191, G replaced by A.
Protein change: p.Asp731Asn; replaces aspartic acid 731 with asparagine.
Molecular consequence: missense variant.
Genome position (GRCh38, 1-based): chr18:31,070,785, C>T on the plus strand (G>A on the coding strand, the complement: DSC2 is on the minus strand). VCF-style: chr18-31070785-C-T. GRCh37 (hg19) VCF-style: chr18-28650751-C-T.
Other names: c.2191G>A, p.Asp731Asn (NM_004949.5); short protein forms D731N.
Identifiers: ClinVar variation 423386 (VCV000423386.24), dbSNP rs762055797, ClinGen allele CA035290.

ClinVar aggregate classification (germline): Conflicting classifications of pathogenicity. Review status: criteria provided, conflicting classifications (1 of 4 stars). 7 submissions from 7 submitters: Uncertain significance (6); Likely benign (1). Last evaluated 2025-12-29.

Conditions:
Cardiovascular phenotype. Identifiers: MedGen CN230736.
Familial isolated arrhythmogenic right ventricular dysplasia. Identifiers: Orphanet 217656, MedGen C4274968, MONDO:0016342.
Arrhythmogenic right ventricular dysplasia 11. Also called: Arrhythmogenic Right Ventricular Dysplasia/Cardiomyopathy11; ARRHYTHMOGENIC RIGHT VENTRICULAR DYSPLASIA, FAMILIAL, 11; Arrhythmogenic right ventricular dysplasia 11 with mild palmoplantar keratoderma and woolly hair. Identifiers: MedGen C1864850, MONDO:0012506, OMIM 610476.
Cardiomyopathy (CMYO). Also called: Cardiomyopathies. Identifiers: Orphanet 167848, MedGen C0878544, MONDO:0004994, HP:0001638. Inheritance: Various modes of inheritance.

Allele frequency attached by ClinVar (database versions not stated): gnomAD exomes 0.00004 and 0.00003; ExAC 0.00003; TOPMed 0.00001; gnomAD 0.00004 and 0.00003.

Submissions (7):

Labcorp Genetics (formerly Invitae), Labcorp
Classification: Uncertain significance for Arrhythmogenic right ventricular dysplasia 11. Last evaluated: 2025-12-29. Review status: criteria provided, single submitter. Criteria: Invitae Variant Classification Sherloc (09022015). Collection method: clinical testing. Allele origin: germline.
Comment: This sequence change replaces aspartic acid, which is acidic and polar, with asparagine, which is neutral and polar, at codon 731 of the DSC2 protein (p.Asp731Asn). This variant is present in population databases (rs762055797, gnomAD 0.006%). This variant has not been reported in the literature in individuals affected with DSC2-related conditions. ClinVar contains an entry for this variant (Variation ID: 423386). Invitae Evidence Modeling of protein sequence and biophysical properties (such as structural, functional, and spatial information, amino acid conservation, physicochemical variation, residue mobility, and thermodynamic stability) indicates that this missense variant is expected to disrupt DSC2 protein function with a positive predictive value of 80%. In summary, the available evidence is currently insufficient to determine the role of this variant in disease. Therefore, it has been classified as a Variant of Uncertain Significance.

Color Diagnostics, LLC DBA Color Health
Classification: Uncertain significance for Cardiomyopathy. Last evaluated: 2025-12-26. Review status: criteria provided, single submitter. Criteria: ACMG Guidelines, 2015. Collection method: clinical testing. Allele origin: germline.
Comment: This missense variant replaces aspartic acid with asparagine at codon 731 of the DSC2 protein. Computational prediction suggests that this variant may not impact protein structure and function. To our knowledge, functional studies have not been reported for this variant. This variant has not been reported in individuals affected with cardiovascular disorders in the literature. This variant has not been identified in the general population by the Genome Aggregation Database (gnomAD). The available evidence is insufficient to determine the role of this variant in disease conclusively. Therefore, this variant is classified as a Variant of Uncertain Significance.

All of Us Research Program, National Institutes of Health
Classification: Uncertain significance for Familial isolated arrhythmogenic right ventricular dysplasia. Last evaluated: 2024-09-11. Review status: criteria provided, single submitter. Criteria: ACMG Guidelines, 2015. Collection method: clinical testing. Allele origin: germline. Inheritance: Autosomal dominant inheritance. Observed: 14 variant alleles, 14 heterozygotes.
Comment: This missense variant replaces aspartic acid with asparagine at codon 731 of the DSC2 protein. Computational prediction suggests that this variant may not impact protein structure and function (internally defined REVEL score threshold <= 0.5, PMID: 27666373). To our knowledge, functional studies have not been reported for this variant. This variant has not been reported in individuals affected with cardiovascular disorders in the literature. This variant has not been identified in the general population by the Genome Aggregation Database (gnomAD). The available evidence is insufficient to determine the role of this variant in disease conclusively. Therefore, this variant is classified as a Variant of Uncertain Significance.

This study involves interpretation of variants in research participants for the purpose of population health screening. Participant phenotype was not available at the time of variant classification. Additional details can be found in publication PMID: 35346344, PMCID: PMC8962531

GeneDx
Classification: Uncertain significance. Last evaluated: 2024-07-24. Review status: criteria provided, single submitter. Criteria: GeneDx Variant Classification Process June 2021. Collection method: clinical testing. Allele origin: germline. Affected: yes.
Comment: In silico analysis supports that this missense variant has a deleterious effect on protein structure/function; Has not been previously published as pathogenic or benign to our knowledge

CHEO Genetics Diagnostic Laboratory, Children's Hospital of Eastern Ontario
Classification: Uncertain significance for Cardiomyopathy. Last evaluated: 2022-11-16. Review status: criteria provided, single submitter. Criteria: ACMG Guidelines, 2015. Collection method: clinical testing. Allele origin: germline.

Ambry Genetics
Classification: Likely benign for Cardiovascular phenotype. Last evaluated: 2021-08-19. Review status: criteria provided, single submitter. Criteria: Ambry Variant Classification Scheme 2023. Collection method: clinical testing. Allele origin: germline.

Fulgent Genetics
Classification: Uncertain significance for Arrhythmogenic right ventricular dysplasia 11. Last evaluated: 2021-08-12. Review status: criteria provided, single submitter. Criteria: ACMG Guidelines, 2015. Collection method: clinical testing. Allele origin: unknown.